The following is an entry in ClinVar:

ClinVar aggregate classification (germline): Likely benign. Review status: criteria provided, multiple submitters, no conflicts (2 of 4 stars). 3 submissions from 3 submitters: Likely benign (2). 1 of the submissions does not count toward it. Last evaluated 2025-11-28.

Conditions:
GNMT-related disorder. Also called: GNMT-related condition.

Allele frequency attached by ClinVar (database versions not stated): gnomAD exomes 0.00013 and 0.00037; ExAC 0.00040; ESP Exome Variant Server 0.00138; 1000 Genomes Project 0.00140; gnomAD 0.00151 and 0.00159; TOPMed 0.00171; 1000 Genomes Project 30x 0.00203.
gnomAD v4.1: 431 of 1,614,108 alleles (0.027%); highest among the groups gnomAD compares: African/African-American, 0.51%; 1 homozygote.

Submissions (3):

Labcorp Genetics (formerly Invitae), Labcorp
Classification: Likely benign. Last evaluated: 2025-11-28. Review status: criteria provided, single submitter. Criteria: Invitae Variant Classification Sherloc (09022015). Collection method: clinical testing. Allele origin: germline.

Breakthrough Genomics
Classification: Likely benign. Review status: criteria provided, single submitter. Criteria: ACMG Guidelines, 2015. Collection method: not provided. Allele origin: germline. Inheritance: Autosomal recessive inheritance. Affected: yes.

PreventionGenetics, part of Exact Sciences
Classification: Likely benign for GNMT-related condition. Last evaluated: 2019-05-27. Review status: no assertion criteria provided. Collection method: clinical testing. Allele origin: germline. Not counted in ClinVar's aggregate classification.
Comment: This variant is classified as likely benign based on ACMG/AMP sequence variant interpretation guidelines (Richards et al. 2015 PMID: 25741868, with internal and published modifications).

NM_018960.6(GNMT):c.373G>A (p.Val125Met)

Genes: CNPY3-GNMT (CNPY3-GNMT readthrough; plus strand), GNMT (glycine N-methyltransferase; plus strand). Cytogenetic location: 6p21.1.
Variant type: single nucleotide variant.
Coding change: c.373G>A on transcript NM_018960.6 (MANE Select); coding-DNA position 373, G replaced by A.
Protein change: p.Val125Met; replaces valine 125 with methionine.
Molecular consequence: missense variant. On other transcripts: non-coding transcript variant (4).
Genome position (GRCh38, 1-based): chr6:42,962,800, G>A. VCF-style: chr6-42962800-G-A. GRCh37 (hg19) VCF-style: chr6-42930538-G-A.
Other names: c.175G>A, p.Val59Met (NM_001318856.2); c.190G>A, p.Val64Met (NM_001318857.2, NM_001318858.2); c.373G>A, p.Val125Met (NM_001318865.2); short protein forms V125M, V59M, V64M.
Identifiers: ClinVar variation 1115131 (VCV001115131.10), dbSNP rs143043221, ClinGen allele CA3810667.
Genomic context (GRCh38, chr6:42,962,800, plus strand): 5'-TCTTTCTCTTCCTGACCCCTAGTCATCGAAGAAGCCAACTGGATGACTCTGGACAAAGAT[G>A]TGCCCCAGTCAGCAGAGGGTGGCTTTGATGCTGTCATCTGCCTTGGAAACAGTTTCGCTC-3'
Protein context (NP_061833.1, residues 115-135): EANWMTLDKD[Val125Met]PQSAEGGFDA